The following is an entry in ClinVar:

NM_001372123.1(IKZF5):c.1112T>C (p.Met371Thr)

Gene: IKZF5 (IKAROS family zinc finger 5; minus strand). Cytogenetic location: 10q26.13.
Variant type: single nucleotide variant.
Coding change: c.1112T>C on transcript NM_001372123.1 (MANE Select); coding-DNA position 1112, T replaced by C.
Protein change: p.Met371Thr; replaces methionine 371 with threonine.
Molecular consequence: missense variant.
Genome position (GRCh38, 1-based): chr10:122,993,928, A>G on the plus strand (T>C on the coding strand, the complement: IKZF5 is on the minus strand). VCF-style: chr10-122993928-A-G. GRCh37 (hg19) VCF-style: chr10-124753444-A-G.
Other names: c.1112T>C, p.Met371Thr (NM_001271840.1, NM_001372125.1, NM_001372126.1 and 2 more transcripts); c.908T>C, p.Met303Thr (NM_001372124.1, NM_001372129.1, NM_001372130.1 and 1 more transcripts); short protein forms M303T, M371T.
Identifiers: ClinVar variation 1694573 (VCV001694573.31), dbSNP rs35178103, ClinGen allele CA5730392.

ClinVar aggregate classification (germline): Likely benign (1 of 4 stars; one submission).

Allele frequency attached by ClinVar (database versions not stated): ExAC 0.00006; gnomAD 0.00009 and 0.00010; gnomAD exomes 0.00011 and 0.00016; TOPMed 0.00011; ESP Exome Variant Server 0.00024.
gnomAD v4.1: 237 of 1,614,088 alleles (0.015%); highest among the groups gnomAD compares: East Asian, 0.038%; no homozygotes.

Submission:

CeGaT Center for Human Genetics Tuebingen
Classification: Likely benign. Last evaluated: 2022-06-01. Review status: criteria provided, single submitter. Criteria: CeGaT Center For Human Genetics Tuebingen Variant Classification Criteria Version 2. Collection method: clinical testing. Allele origin: germline. Affected: yes. Observed: 1 variant allele.
Comment: IKZF5: BS2